The following is an entry in ClinVar:

NM_004360.5(CDH1):c.1394C>G (p.Ser465Cys)

Gene: CDH1 (cadherin 1; plus strand). Cytogenetic location: 16q22.1.
Variant type: single nucleotide variant.
Coding change: c.1394C>G on transcript NM_004360.5 (MANE Select); coding-DNA position 1394, C replaced by G.
Protein change: p.Ser465Cys; replaces serine 465 with cysteine.
Molecular consequence: missense variant. On other transcripts: 5 prime UTR variant (2).
Genome position (GRCh38, 1-based): chr16:68,815,588, C>G. VCF-style: chr16-68815588-C-G. GRCh37 (hg19) VCF-style: chr16-68849491-C-G.
Other names: c.1211C>G, p.Ser404Cys (NM_001317184.2); c.-155C>G (NM_001317185.2); c.-426C>G (NM_001317186.2); short protein forms S465C, S404C.
Identifiers: ClinVar variation 3697677 (VCV003697677.2).
Genomic context (GRCh38, chr16:68,815,588, plus strand): 5'-AGGCCAAGCAGCAGTACATTCTACACGTAGCAGTGACGAATGTGGTACCTTTTGAGGTCT[C>G]TCTCACCACCTCCACAGCCACCGTCACCGTGGATGTGCTGGATGTGAATGAAGCCCCCAT-3'
Protein context (NP_004351.1, residues 455-475): AVTNVVPFEV[Ser465Cys]LTTSTATVTV

ClinVar aggregate classification (germline): Uncertain significance (1 of 4 stars; one submission).

Conditions:
Hereditary diffuse gastric adenocarcinoma (HDGC). Also called: DIFFUSE GASTRIC AND LOBULAR BREAST CANCER SYNDROME. Identifiers: Orphanet 26106, MedGen C1708349, MONDO:0007648, OMIM 137215.

Submission:

Labcorp Genetics (formerly Invitae), Labcorp
Classification: Uncertain significance for Hereditary diffuse gastric adenocarcinoma. Last evaluated: 2024-02-14. Review status: criteria provided, single submitter. Criteria: Invitae Variant Classification Sherloc (09022015). Collection method: clinical testing. Allele origin: germline.
Comment: This sequence change replaces serine, which is neutral and polar, with cysteine, which is neutral and slightly polar, at codon 465 of the CDH1 protein (p.Ser465Cys). This variant is not present in population databases (gnomAD no frequency). This variant has not been reported in the literature in individuals affected with CDH1-related conditions. An algorithm developed to predict the effect of missense changes on protein structure and function (PolyPhen-2) suggests that this variant is likely to be disruptive. In summary, the available evidence is currently insufficient to determine the role of this variant in disease. Therefore, it has been classified as a Variant of Uncertain Significance.